The following is an entry in ClinVar:

ClinVar aggregate classification (germline): Likely benign. Review status: criteria provided, single submitter (1 of 4 stars). 2 submissions from 2 submitters: Likely benign (1). 1 of the submissions does not count toward it. Last evaluated 2025-05-19.

Conditions:
LIPA-related disorder. Also called: LIPA-related condition; LIPA-related disorders.
Wolman disease (WOLD). Also called: Acid cholesteryl ester hydrolase deficiency, Wolman type; Acid lipase disease; Infantile-Onset LAL-D (Wolman Disease); Wolman disease, CESD; LYSOSOMAL ACID LIPASE DEFICIENCY, ACUTE INFANTILE; LYSOSOMAL ACID LIPASE DEFICIENCY, COMPLETE. Identifiers: Orphanet 75233, MedGen C0043208, MONDO:0019148, OMIM 620151.

Allele frequency attached by ClinVar (database versions not stated): gnomAD 0.00003; gnomAD exomes 0.00003 and 0.00004; TOPMed 0.00003; ExAC 0.00004.
gnomAD v4.1: 60 of 1,596,902 alleles (0.0038%); highest among the groups gnomAD compares: Non-Finnish European, 0.005%; no homozygotes.

Submissions (2):

Labcorp Genetics (formerly Invitae), Labcorp
Classification: Likely benign for Wolman disease. Last evaluated: 2025-05-19. Review status: criteria provided, single submitter. Criteria: Invitae Variant Classification Sherloc (09022015). Collection method: clinical testing. Allele origin: germline.

PreventionGenetics, part of Exact Sciences
Classification: Likely benign for LIPA-related condition. Last evaluated: 2019-11-26. Review status: no assertion criteria provided. Collection method: clinical testing. Allele origin: germline. Not counted in ClinVar's aggregate classification.
Comment: This variant is classified as likely benign based on ACMG/AMP sequence variant interpretation guidelines (Richards et al. 2015 PMID: 25741868, with internal and published modifications).

NM_000235.4(LIPA):c.895-7T>C

Gene: LIPA (lipase A, lysosomal acid type; minus strand). Cytogenetic location: 10q23.31.
Variant type: single nucleotide variant.
Coding change: c.895-7T>C on transcript NM_000235.4 (MANE Select); 7 bases into the intron before coding-DNA position 895, T replaced by C.
Molecular consequence: intron variant.
Genome position (GRCh38, 1-based): chr10:89,216,016, A>G on the plus strand (T>C on the coding strand, the complement: LIPA is on the minus strand). VCF-style: chr10-89216016-A-G. GRCh37 (hg19) VCF-style: chr10-90975773-A-G.
Other names: c.547-7T>C (NM_001288979.2); c.895-7T>C (NM_001127605.3, NM_000235.3).
Identifiers: ClinVar variation 1104642 (VCV001104642.11), dbSNP rs756396844, ClinGen allele CA5593569.